The following is an entry in ClinVar:

ClinVar aggregate classification (germline): Likely benign (1 of 4 stars; one submission).

gnomAD v4.1: 1 of 1,614,150 alleles (0.000062%); highest among the groups gnomAD compares: Admixed American, 0.0017%; no homozygotes.

Submission:

Women's Health and Genetics/Laboratory Corporation of America, LabCorp
Classification: Likely benign. Last evaluated: 2025-01-29. Review status: criteria provided, single submitter. Criteria: LabCorp Variant Classification Summary - May 2015. Collection method: clinical testing. Allele origin: germline.
Comment: Variant summary: GJB3 c.726C>T alters a non-conserved nucleotide resulting in a synonymous change. Consensus agreement among computation tools predict no significant impact on normal splicing. However, these predictions have yet to be confirmed by functional studies. The variant was absent in 250954 control chromosomes. The available data on variant occurrences in the general population are insufficient to allow any conclusion about variant significance. To our knowledge, no occurrence of c.726C>T in individuals affected with GJB3-Related Disorders and no experimental evidence demonstrating its impact on protein function have been reported. No submitters have cited clinical-significance assessments for this variant to ClinVar. Based on the evidence outlined above, the variant was classified as likely benign.

NM_024009.3(GJB3):c.726C>T (p.His242=)

Gene: GJB3 (gap junction protein beta 3; plus strand). Cytogenetic location: 1p34.3.
Variant type: single nucleotide variant.
Coding change: c.726C>T on transcript NM_024009.3 (MANE Select); coding-DNA position 726, C replaced by T.
Protein change: p.His242=; no amino-acid change (histidine 242 retained).
Molecular consequence: synonymous variant.
Genome position (GRCh38, 1-based): chr1:34,785,488, C>T. VCF-style: chr1-34785488-C-T. GRCh37 (hg19) VCF-style: chr1-35251089-C-T.
Other names: c.726C>T, p.His242= (NM_001005752.2).
Identifiers: ClinVar variation 3769345 (VCV003769345.2).